The following is an entry in ClinVar:

ClinVar aggregate classification (germline): Uncertain significance (1 of 4 stars; one submission).

Conditions:
Dilated cardiomyopathy 1KK (CMD1KK). Identifiers: Orphanet 154, Orphanet 75249, MedGen C3714995, MONDO:0014100, OMIM 615248.

Submission:

Labcorp Genetics (formerly Invitae), Labcorp
Classification: Uncertain significance for Dilated cardiomyopathy 1KK. Last evaluated: 2025-08-18. Review status: criteria provided, single submitter. Criteria: Invitae Variant Classification Sherloc (09022015). Collection method: clinical testing. Allele origin: germline.
Comment: This sequence change replaces threonine, which is neutral and polar, with asparagine, which is neutral and polar, at codon 24 of the MYPN protein (p.Thr24Asn). This variant is not present in population databases (gnomAD no frequency). This variant has not been reported in the literature in individuals affected with MYPN-related conditions. ClinVar contains an entry for this variant (Variation ID: 1509601). An algorithm developed to predict the effect of missense changes on protein structure and function (PolyPhen-2) suggests that this variant is likely to be tolerated. In summary, the available evidence is currently insufficient to determine the role of this variant in disease. Therefore, it has been classified as a Variant of Uncertain Significance.

NM_032578.4(MYPN):c.71C>A (p.Thr24Asn)

Gene: MYPN (myopalladin; plus strand). Cytogenetic location: 10q21.3.
Variant type: single nucleotide variant.
Coding change: c.71C>A on transcript NM_032578.4 (MANE Select); coding-DNA position 71, C replaced by A.
Protein change: p.Thr24Asn; replaces threonine 24 with asparagine.
Molecular consequence: missense variant. On other transcripts: 5 prime UTR variant (1), non-coding transcript variant (1).
Genome position (GRCh38, 1-based): chr10:68,121,509, C>A. VCF-style: chr10-68121509-C-A. GRCh37 (hg19) VCF-style: chr10-69881266-C-A.
Other names: c.71C>A, p.Thr24Asn (NM_001256267.2); c.-1052C>A (NM_001256268.2); short protein forms T24N.
Identifiers: ClinVar variation 1509601 (VCV001509601.6), dbSNP rs2133993354, ClinGen allele CA377103551.
Genomic context (GRCh38, chr10:68,121,509, plus strand): 5'-ACAGCATAGAAGCTTCTACTTCCATATCTCAGCTTCTAAGAGAGAGCTATTTAGCTGAAA[C>A]CAGACATCGGGGAAACAATGAGAGGAGTCGAGCGGAGCCCTCCTCCAACCCTTGCCATTT-3'
Protein context (NP_115967.2, residues 14-34): QLLRESYLAE[Thr24Asn]RHRGNNERSR